The following is an entry in ClinVar:

ClinVar aggregate classification (germline): Uncertain significance (1 of 4 stars; one submission).

Conditions:
Ehlers-Danlos syndrome, musculocontractural type (EDSMC). Also called: Adducted thumb, clubfoot, progressive joint and skin laxity syndrome; DUNDAR SYNDROME; ARTHROGRYPOSIS, DISTAL, WITH PECULIAR FACIES AND HYDRONEPHROSIS; ADDUCTED THUMB-CLUBFOOT SYNDROME. Identifiers: Orphanet 2953, MedGen C1866294, MONDO:0011142.

Allele frequency attached by ClinVar (database versions not stated): gnomAD 0.00001.
gnomAD v4.1: 2 of 1,613,968 alleles (0.00012%); highest among the groups gnomAD compares: Admixed American, 0.0017%; no homozygotes.

Submission:

Labcorp Genetics (formerly Invitae), Labcorp
Classification: Uncertain significance for Ehlers-Danlos syndrome, musculocontractural type. Last evaluated: 2022-08-09. Review status: criteria provided, single submitter. Criteria: Invitae Variant Classification Sherloc (09022015). Collection method: clinical testing. Allele origin: germline.
Comment: This sequence change affects codon 231 of the CHST14 mRNA. It is a 'silent' change, meaning that it does not change the encoded amino acid sequence of the CHST14 protein. This variant is present in population databases (no rsID available, gnomAD 0.1%). This variant has not been reported in the literature in individuals affected with CHST14-related conditions. Algorithms developed to predict the effect of sequence changes on RNA splicing suggest that this variant may create or strengthen a splice site. In summary, the available evidence is currently insufficient to determine the role of this variant in disease. Therefore, it has been classified as a Variant of Uncertain Significance.

NM_130468.4(CHST14):c.693A>T (p.Arg231=)

Gene: CHST14 (carbohydrate sulfotransferase 14; plus strand). Cytogenetic location: 15q15.1.
Variant type: single nucleotide variant.
Coding change: c.693A>T on transcript NM_130468.4 (MANE Select); coding-DNA position 693, A replaced by T.
Protein change: p.Arg231=; no amino-acid change (arginine 231 retained).
Molecular consequence: synonymous variant.
Genome position (GRCh38, 1-based): chr15:40,471,906, A>T. VCF-style: chr15-40471906-A-T. GRCh37 (hg19) VCF-style: chr15-40764105-A-T.
Identifiers: ClinVar variation 1932725 (VCV001932725.2), dbSNP rs1228128596, ClinGen allele CA489975274.